The following is an entry in ClinVar:

ClinVar aggregate classification (germline): Uncertain significance (1 of 4 stars; one submission).

Submission:

GeneDx
Classification: Uncertain significance. Last evaluated: 2017-10-04. Review status: criteria provided, single submitter. Criteria: GeneDx Variant Classification (06012015). Collection method: clinical testing. Allele origin: germline. Affected: yes.
Comment: The A76T variant in the CACNA1H gene has not been reported previously as a pathogenic variant, nor as a benign variant, to our knowledge. The A76T variant is not observed in large population cohorts (Lek et al., 2016). The A76T variant is a non-conservative amino acid substitution, which is likely to impact secondary protein structure as these residues differ in polarity, charge, size and/or other properties. This substitution occurs at a position that is conserved in mammals. In silico analysis is inconsistent in its predictions as to whether or not the variant is damaging to the protein structure/function. We interpret A76T as a variant of uncertain significance.

NM_021098.3(CACNA1H):c.226G>A (p.Ala76Thr)

Gene: CACNA1H (calcium voltage-gated channel subunit alpha1 H; plus strand). Cytogenetic location: 16p13.3.
Variant type: single nucleotide variant.
Coding change: c.226G>A on transcript NM_021098.3 (MANE Select); coding-DNA position 226, G replaced by A.
Protein change: p.Ala76Thr; replaces alanine 76 with threonine.
Molecular consequence: missense variant.
Genome position (GRCh38, 1-based): chr16:1,153,963, G>A. VCF-style: chr16-1153963-G-A. GRCh37 (hg19) VCF-style: chr16-1203963-G-A.
Other names: c.226G>A, p.Ala76Thr (NM_001005407.2); short protein forms A76T.
Identifiers: ClinVar variation 452516 (VCV000452516.2), dbSNP rs1555498216, ClinGen allele CA394145886.